The following is an entry in ClinVar:

NM_001350451.2(RBFOX3):c.268T>G (p.Ser90Ala)

Gene: RBFOX3 (RNA binding fox-1 homolog 3; minus strand). Cytogenetic location: 17q25.3.
Variant type: single nucleotide variant.
Coding change: c.268T>G on transcript NM_001350451.2 (MANE Select); coding-DNA position 268, T replaced by G.
Protein change: p.Ser90Ala; replaces serine 90 with alanine.
Molecular consequence: missense variant.
Genome position (GRCh38, 1-based): chr17:79,106,743, A>C on the plus strand (T>G on the coding strand, the complement: RBFOX3 is on the minus strand). VCF-style: chr17-79106743-A-C. GRCh37 (hg19) VCF-style: chr17-77102825-A-C.
Other names: c.268T>G, p.Ser90Ala (NM_001385807.1, NM_001385808.1, NM_001385809.1 and 36 more transcripts); c.265T>G, p.Ser89Ala (NM_001385822.1, NM_001385823.1, NM_001385806.1 and 4 more transcripts); short protein forms S89A, S90A.
Identifiers: ClinVar variation 3697155 (VCV003697155.2).

ClinVar aggregate classification (germline): Uncertain significance (1 of 4 stars; one submission).

Conditions:
Idiopathic generalized epilepsy. Also called: Generalised epilepsy; EIG. Identifiers: MedGen C0270850, MONDO:0005579, OMIM 600669.

gnomAD v4.1: 2 of 1,522,556 alleles (0.00013%); highest among the groups gnomAD compares: Non-Finnish European, 0.00018%; no homozygotes.

Submission:

Labcorp Genetics (formerly Invitae), Labcorp
Classification: Uncertain significance for Idiopathic generalized epilepsy. Last evaluated: 2025-06-19. Review status: criteria provided, single submitter. Criteria: Invitae Variant Classification Sherloc (09022015). Collection method: clinical testing. Allele origin: germline.
Comment: This sequence change replaces serine, which is neutral and polar, with alanine, which is neutral and non-polar, at codon 90 of the RBFOX3 protein (p.Ser90Ala). This variant is not present in population databases (gnomAD no frequency). This variant has not been reported in the literature in individuals affected with RBFOX3-related conditions. ClinVar contains an entry for this variant (Variation ID: 3697155). Invitae Evidence Modeling of protein sequence and biophysical properties (such as structural, functional, and spatial information, amino acid conservation, physicochemical variation, residue mobility, and thermodynamic stability) indicates that this missense variant is not expected to disrupt RBFOX3 protein function with a negative predictive value of 80%. In summary, the available evidence is currently insufficient to determine the role of this variant in disease. Therefore, it has been classified as a Variant of Uncertain Significance.